The following is an entry in ClinVar:

NM_138420.4(AHNAK2):c.12942C>G (p.Gly4314=)

Gene: AHNAK2 (AHNAK nucleoprotein 2; minus strand). Cytogenetic location: 14q32.33.
Variant type: single nucleotide variant.
Coding change: c.12942C>G on transcript NM_138420.4 (MANE Select); coding-DNA position 12942, C replaced by G.
Protein change: p.Gly4314=; no amino-acid change (glycine 4314 retained).
Molecular consequence: synonymous variant.
Genome position (GRCh38, 1-based): chr14:104,942,509, G>C on the plus strand (C>G on the coding strand, the complement: AHNAK2 is on the minus strand). VCF-style: chr14-104942509-G-C. GRCh37 (hg19) VCF-style: chr14-105408846-G-C.
Other names: c.12642C>G, p.Gly4214= (NM_001350929.2).
Identifiers: ClinVar variation 4533591 (VCV004533591.6).
Genomic context (GRCh38, chr14:104,942,509, plus strand): 5'-GAGGCTCACGTCAGCCTCCACCTTCAGCGCAGACACATCCAACGAGGCCTCGATGGACTT[G>C]CCTGGGGCAGACACCCCGAACGACGGCATCTTGAACTTGGGCATTTTGAACTTGCTGTCT-3'
Protein context (NP_612429.2, residues 4304-4324): KMPSFGVSAP[Gly4314=]KSIEASLDVS

ClinVar aggregate classification (germline): Likely benign (1 of 4 stars; one submission).

gnomAD v4.1: 626 of 1,612,994 alleles (0.039%); highest among the groups gnomAD compares: African/African-American, 0.66%; 5 homozygotes.

Submission:

CeGaT Center for Human Genetics Tuebingen
Classification: Likely benign. Last evaluated: 2025-11-01. Review status: criteria provided, single submitter. Criteria: CeGaT Center For Human Genetics Tuebingen Variant Classification Criteria Version 2. Collection method: clinical testing. Allele origin: germline. Affected: yes. Observed: 1 variant allele.
Comment: AHNAK2: BP4, BP7